The following is an entry in ClinVar:

ClinVar aggregate classification (germline): Pathogenic (1 of 4 stars; one submission).

Submission:

Labcorp Genetics (formerly Invitae), Labcorp
Classification: Pathogenic. Last evaluated: 2022-10-13. Review status: criteria provided, single submitter. Criteria: Invitae Variant Classification Sherloc (09022015). Collection method: clinical testing. Allele origin: germline.
Comment: For these reasons, this variant has been classified as Pathogenic. This variant has not been reported in the literature in individuals affected with COL2A1-related conditions. This variant is not present in population databases (gnomAD no frequency). This sequence change creates a premature translational stop signal (p.Gln1414*) in the COL2A1 gene. It is expected to result in an absent or disrupted protein product. Loss-of-function variants in COL2A1 are known to be pathogenic (PMID: 20179744).

Literature cited by the submitters: PubMed 20179744.

NM_001844.5(COL2A1):c.4240C>T (p.Gln1414Ter)

Gene: COL2A1 (collagen type II alpha 1 chain; minus strand). Cytogenetic location: 12q13.11.
Variant type: single nucleotide variant.
Coding change: c.4240C>T on transcript NM_001844.5 (MANE Select); coding-DNA position 4240, C replaced by T.
Protein change: p.Gln1414Ter; replaces glutamine 1414 with a stop codon.
Molecular consequence: nonsense.
Genome position (GRCh38, 1-based): chr12:47,974,166, G>A on the plus strand (C>T on the coding strand, the complement: COL2A1 is on the minus strand). VCF-style: chr12-47974166-G-A. GRCh37 (hg19) VCF-style: chr12-48367949-G-A.
Other names: c.4033C>T, p.Gln1345Ter (NM_033150.3); short protein forms Q1345*, Q1414*.
Identifiers: ClinVar variation 2035458 (VCV002035458.4), dbSNP rs2540094630, ClinGen allele CA384533555.